The following is an entry in ClinVar:

NM_020754.4(ARHGAP31):c.2497C>T (p.Leu833Phe)

Gene: ARHGAP31 (Rho GTPase activating protein 31; plus strand). Cytogenetic location: 3q13.33.
Variant type: single nucleotide variant.
Coding change: c.2497C>T on transcript NM_020754.4 (MANE Select); coding-DNA position 2497, C replaced by T.
Protein change: p.Leu833Phe; replaces leucine 833 with phenylalanine.
Molecular consequence: missense variant.
Genome position (GRCh38, 1-based): chr3:119,414,426, C>T. VCF-style: chr3-119414426-C-T. GRCh37 (hg19) VCF-style: chr3-119133273-C-T.
Other names: short protein forms L833F.
Identifiers: ClinVar variation 2053047 (VCV002053047.7), dbSNP rs201970872, ClinGen allele CA2554052.
Genomic context (GRCh38, chr3:119,414,426, plus strand): 5'-TTGAGGACAGATCTCTACATAGACCAGCTGAAGTCCCAAGACAGCCCTGAGATCTCTAGC[C>T]TCTGTCAGGGAGAGGAGGCAACCCCAAGACACAGTGACAAGCAAAATTCAAAGAATGCTG-3'
Protein context (NP_065805.2, residues 823-843): KSQDSPEISS[Leu833Phe]CQGEEATPRH

ClinVar aggregate classification (germline): Conflicting classifications of pathogenicity. Review status: criteria provided, conflicting classifications (1 of 4 stars). 4 submissions from 4 submitters: Uncertain significance (2); Likely benign (2). Last evaluated 2025-01-23.

Conditions:
Inborn genetic diseases. Identifiers: MedGen C0950123, MeSH D030342.

Allele frequency attached by ClinVar (database versions not stated): ExAC 0.00010; gnomAD exomes 0.00014 and 0.00028; gnomAD 0.00015; TOPMed 0.00017 and 0.00018; ESP Exome Variant Server 0.00025.
gnomAD v4.1: 442 of 1,614,122 alleles (0.027%); highest among the groups gnomAD compares: Non-Finnish European, 0.035%; no homozygotes.

Submissions (4):

GeneDx
Classification: Uncertain significance. Last evaluated: 2025-01-23. Review status: criteria provided, single submitter. Criteria: GeneDx Variant Classification Process June 2021. Collection method: clinical testing. Allele origin: germline. Affected: yes.
Comment: In silico analysis indicates that this missense variant does not alter protein structure/function; Has not been previously published as pathogenic or benign to our knowledge

Blueprint Genetics
Classification: Likely benign. Last evaluated: 2024-10-16. Review status: criteria provided, single submitter. Criteria: ACMG Guidelines, 2015. Collection method: clinical testing. Allele origin: germline.

Labcorp Genetics (formerly Invitae), Labcorp
Classification: Uncertain significance. Last evaluated: 2022-10-28. Review status: criteria provided, single submitter. Criteria: Invitae Variant Classification Sherloc (09022015). Collection method: clinical testing. Allele origin: germline.
Comment: This sequence change replaces leucine, which is neutral and non-polar, with phenylalanine, which is neutral and non-polar, at codon 833 of the ARHGAP31 protein (p.Leu833Phe). This variant is present in population databases (rs201970872, gnomAD 0.03%), and has an allele count higher than expected for a pathogenic variant. This variant has not been reported in the literature in individuals affected with ARHGAP31-related conditions. Algorithms developed to predict the effect of missense changes on protein structure and function output the following: SIFT: "Tolerated"; PolyPhen-2: "Benign"; Align-GVGD: "Class C0". The phenylalanine amino acid residue is found in multiple mammalian species, which suggests that this missense change does not adversely affect protein function. In summary, the available evidence is currently insufficient to determine the role of this variant in disease. Therefore, it has been classified as a Variant of Uncertain Significance.

Ambry Genetics
Classification: Likely benign for Inborn genetic diseases. Last evaluated: 2022-08-03. Review status: criteria provided, single submitter. Criteria: Ambry Variant Classification Scheme 2023. Collection method: clinical testing. Allele origin: germline.